The following is an entry in ClinVar:

ClinVar aggregate classification (germline): Likely pathogenic (1 of 4 stars; one submission).

Conditions:
alpha Thalassemia. Also called: Alpha thalassemia spectrum. Identifiers: Orphanet 846, MedGen C0002312, MONDO:0011399, OMIM 604131.

Submission:

Natera, Inc.
Classification: Likely pathogenic for Alpha thalassemia. Last evaluated: 2024-07-08. Review status: criteria provided, single submitter. Criteria: Natera Variant Classification Schema (03/2026). Collection method: clinical testing. Allele origin: germline.
Comment: The c.301-1G>T variant in HBA2 is a canonical splice acceptor site variant predicted to affect pre-mRNA splicing, which may result in an abnormal transcript and altered protein product. This variant is expected to result in nonsense mediated decay, truncation, or a dysfunctional protein product. This variant is rare in the general population with a frequency below the threshold expected for the associated phenotype(s). Given the available evidence, this variant is classified as Likely Pathogenic.

NM_000517.6(HBA2):c.301-1G>T

Genes: HBA2 (hemoglobin subunit alpha 2; plus strand), LOC106804612 (hemoglobin subunit alpha 2 recombination region; plus strand). Cytogenetic location: 16p13.3.
Variant type: single nucleotide variant.
Coding change: c.301-1G>T on transcript NM_000517.6 (MANE Select); the canonical splice acceptor site of the intron before coding-DNA position 301, G replaced by T.
Molecular consequence: splice acceptor variant.
Genome position (GRCh38, 1-based): chr16:173,471, G>T. VCF-style: chr16-173471-G-T. GRCh37 (hg19) VCF-style: chr16-223470-G-T.
Identifiers: ClinVar variation 4818660 (VCV004818660.1).
Genomic context (GRCh38, chr16:173,471, plus strand): 5'-GGAGGTGTAGCGCAGGCGGCGGCTGCGGGCCTGGGCCGCACTGACCCTCTTCTCTGCACA[G>T]CTCCTAAGCCACTGCCTGCTGGTGACCCTGGCCGCCCACCTCCCCGCCGAGTTCACCCCT-3'